The following is an entry in ClinVar:

NM_000208.4(INSR):c.2813_2829delinsGT (p.Glu938_Tyr943delinsGly)

Gene: INSR (insulin receptor; minus strand). Cytogenetic location: 19p13.2.
Variant type: Indel.
Coding change: c.2813_2829delinsGT on transcript NM_000208.4 (MANE Select); coding-DNA positions 2813 to 2829, AACCCACCTATTTCTAC replaced by GT.
Protein change: p.Glu938_Tyr943delinsGly.
Molecular consequence: inframe indel.
Genome position (GRCh38, 1-based): chr19:7,132,171-7,132,187, GTAGAAATAGGTGGGTT replaced by AC on the plus strand (AACCCACCTATTTCTAC replaced by GT on the coding strand, the reverse complement: INSR is on the minus strand). VCF-style: chr19-7132171-GTAGAAATAGGTGGGTT-AC. GRCh37 (hg19) VCF-style: chr19-7132182-GTAGAAATAGGTGGGTT-AC.
Other names: c.2777_2793delinsGT, p.Glu926_Tyr931delinsGly (NM_001079817.3).
Identifiers: ClinVar variation 4853995 (VCV004853995.1).

ClinVar aggregate classification (germline): Uncertain significance (1 of 4 stars; one submission).

Conditions:
Leprechaunism syndrome. Also called: LEPRECHAUNISM; Donohue syndrome. Identifiers: Orphanet 508, MedGen C0265344, MONDO:0009517, OMIM 246200.

Submission:

3billion
Classification: Uncertain significance for Leprechaunism syndrome. Last evaluated: 2026-01-30. Review status: criteria provided, single submitter. Criteria: ACMG Guidelines, 2015. Collection method: clinical testing. Allele origin: germline. Affected: yes.
Comment: The variant is not observed in the gnomAD v4.1.0 dataset. Predicted Consequence/Location: Inframe deletion located in a nonrepeat region: predicted to change the length of the protein and disrupt normal protein function. Therefore, this variant is classified as VUS according to the recommendation of ACMG/AMP guideline.